The following is an entry in ClinVar:

NM_000044.6(AR):c.2574C>G (p.Tyr858Ter)

Gene: AR (androgen receptor; plus strand). Cytogenetic location: Xq12.
Variant type: single nucleotide variant.
Coding change: c.2574C>G on transcript NM_000044.6 (MANE Select); coding-DNA position 2574, C replaced by G.
Protein change: p.Tyr858Ter; replaces tyrosine 858 with a stop codon.
Molecular consequence: nonsense.
Genome position (GRCh38, 1-based): chrX:67,722,951, C>G. VCF-style: chrX-67722951-C-G. GRCh37 (hg19) VCF-style: chrX-66942793-C-G.
Other names: c.978C>G, p.Tyr326Ter (NM_001011645.3); short protein forms Y326*, Y858*.
Identifiers: ClinVar variation 4882783 (VCV004882783.2).

ClinVar aggregate classification (germline): Likely pathogenic (1 of 4 stars; one submission).

Conditions:
Androgen resistance syndrome (AIS). Also called: Androgen insensitivity; ANDROGEN RECEPTOR DEFICIENCY; DHTR DEFICIENCY; DIHYDROTESTOSTERONE RECEPTOR DEFICIENCY; TESTICULAR FEMINIZATION SYNDROME; Androgen insensitivity syndrome. Identifiers: Orphanet 754, Orphanet 99429, MedGen C0039585, MONDO:0019154, OMIM 300068. Disease mechanism: loss of function.

gnomAD v4.1: 1 of 1,211,715 alleles (0.000083%); highest among the groups gnomAD compares: Admixed American, 0.0022%; no homozygotes.

Submission:

Dasa
Classification: Likely pathogenic for androgen insensitivity syndrome. Last evaluated: 2025-12-17. Review status: criteria provided, single submitter. Criteria: DASA Assertion Criteria. Collection method: clinical testing. Allele origin: germline.
Comment: NM_000044.6(AR):c.2574C>G (p.Tyr858*) is a nonsense variant in AR predicted to introduce a premature termination codon and is predicted to result in an absent or altered protein product. Loss of function is an established disease mechanism for AR (PMID: 22334387; PMID: 27994190; PMID: 30742848). Also, this variant is rare in population databases. Based on the currently available evidence, this variant is classified as likely pathogenic.

Literature cited by the submitters: PubMed 22334387; PubMed 27994190; PubMed 30742848.